The following is an entry in ClinVar:

ClinVar aggregate classification (germline): Likely pathogenic (1 of 4 stars; one submission).

Conditions:
Arthrogryposis multiplex congenita 6. Identifiers: MedGen C5543431, MONDO:0030281, OMIM 619334.
Nemaline myopathy 2 (NEM2). Also called: Nemaline myopathy 2, autosomal recessive. Identifiers: MedGen C1850569, MONDO:0009725, OMIM 256030.

Submission:

Juno Genomics, Hangzhou Juno Genomics, Inc
Classification: Likely pathogenic for Arthrogryposis multiplex congenita 6; Nemaline myopathy 2. Review status: criteria provided, single submitter. Criteria: ACMG Guidelines, 2015. Collection method: clinical testing. Allele origin: germline.
Comment: Null variant in a gene where loss of function (LOF) is a known mechanism of disease.;Absent from controls (or at extremely low frequency if recessive) in Genome Aggregation Database.

NM_001164508.2(NEB):c.11610C>G (p.Tyr3870Ter)

Gene: NEB (nebulin; minus strand). Cytogenetic location: 2q23.3.
Variant type: single nucleotide variant.
Coding change: c.11610C>G on transcript NM_001164508.2 (MANE Select); coding-DNA position 11610, C replaced by G.
Protein change: p.Tyr3870Ter; replaces tyrosine 3870 with a stop codon.
Molecular consequence: nonsense.
Genome position (GRCh38, 1-based): chr2:151,612,381, G>C on the plus strand (C>G on the coding strand, the complement: NEB is on the minus strand). VCF-style: chr2-151612381-G-C. GRCh37 (hg19) VCF-style: chr2-152468895-G-C.
Other names: c.11610C>G, p.Tyr3870Ter (NM_001164507.2, NM_001271208.2); c.10881C>G, p.Tyr3627Ter (NM_004543.5); short protein forms Y3627*, Y3870*.
Identifiers: ClinVar variation 5006092 (VCV005006092.2).